The following is an entry in ClinVar:

ClinVar aggregate classification (germline): Likely benign (0 of 4 stars; one submission).

Conditions:
EPB41L1-related disorder. Also called: EPB41L1-related condition.

Allele frequency attached by ClinVar (database versions not stated): TOPMed 0.00001; gnomAD exomes 0.00003.
gnomAD v4.1: 50 of 1,613,872 alleles (0.0031%); highest among the groups gnomAD compares: Admixed American, 0.012%; no homozygotes.

Submission:

PreventionGenetics, part of Exact Sciences
Classification: Likely benign for EPB41L1-related condition. Last evaluated: 2019-03-08. Review status: no assertion criteria provided. Collection method: clinical testing. Allele origin: germline.
Comment: This variant is classified as likely benign based on ACMG/AMP sequence variant interpretation guidelines (Richards et al. 2015 PMID: 25741868, with internal and published modifications).

NM_012156.2(EPB41L1):c.2361C>T (p.Ile787=)

Gene: EPB41L1 (erythrocyte membrane protein band 4.1 like 1; plus strand). Cytogenetic location: 20q11.23.
Variant type: single nucleotide variant.
Coding change: c.2361C>T on transcript NM_012156.2 (MANE Select); coding-DNA position 2361, C replaced by T.
Protein change: p.Ile787=; no amino-acid change (isoleucine 787 retained).
Molecular consequence: synonymous variant. On other transcripts: intron variant (1).
Genome position (GRCh38, 1-based): chr20:36,219,766, C>T. VCF-style: chr20-36219766-C-T. GRCh37 (hg19) VCF-style: chr20-34807688-C-T.
Other names: c.2358C>T, p.Ile786= (NM_001258329.1, NM_001424402.1); c.1821C>T, p.Ile607= (NM_001258330.1); c.2055C>T, p.Ile685= (NM_001258331.2, NM_001424390.1, NM_177996.2); c.1641C>T, p.Ile547= (NM_001424374.1); c.1644C>T, p.Ile548= (NM_001424375.1, NM_001424403.1); c.1680C>T, p.Ile560= (NM_001424376.1); c.1722C>T, p.Ile574= (NM_001424377.1); c.1725C>T, p.Ile575= (NM_001424378.1, NM_001424379.1, NM_001424404.1); and 19 more.
Identifiers: ClinVar variation 3046524 (VCV003046524.2), dbSNP rs756577865, ClinGen allele CA9840281.
Genomic context (GRCh38, chr20:36,219,766, plus strand): 5'-CAGAGCCCACTGTCCTTACCTGACACCCTGGGTGGGGGGTGGTTATATTCTGCAGATCAT[C>T]GGGAAAGATGTCCTCACCAGCACCTACGGCGCCACTGCGGAAACCCTCTCAACCTCCACC-3'
Protein context (NP_036288.2, residues 777-797): ATEIRSLSPI[Ile787=]GKDVLTSTYG